The following is an entry in ClinVar:

ClinVar aggregate classification (germline): Pathogenic/Likely pathogenic. Review status: criteria provided, multiple submitters, no conflicts (2 of 4 stars). 3 submissions from 3 submitters: Pathogenic (2); Likely pathogenic (1). Last evaluated 2025-11-24.

Conditions:
Hereditary cancer-predisposing syndrome. Also called: Hereditary neoplastic syndrome; Neoplastic Syndromes, Hereditary; Tumor predisposition; Hereditary Cancer Syndrome. Identifiers: Orphanet 140162, MedGen C0027672, MeSH D009386, MONDO:0015356.
Nijmegen breakage syndrome-like disorder (NBSLD). Also called: MICROCEPHALY AND SPONTANEOUS CHROMOSOME INSTABILITY WITHOUT IMMUNODEFICIENCY; NBS-LIKE DISORDER; RAD50 DEFICIENCY. Identifiers: Orphanet 240760, MedGen C2751318, MONDO:0013118, OMIM 613078.

Submissions (3):

Labcorp Genetics (formerly Invitae), Labcorp
Classification: Pathogenic for Hereditary cancer-predisposing syndrome. Last evaluated: 2025-11-24. Review status: criteria provided, single submitter. Criteria: Invitae Variant Classification Sherloc (09022015). Collection method: clinical testing. Allele origin: germline.
Comment: This sequence change creates a premature translational stop signal (p.Lys982*) in the RAD50 gene. It is expected to result in an absent or disrupted protein product. Loss-of-function variants in RAD50 are known to be pathogenic (PMID: 19409520). This variant is not present in population databases (gnomAD no frequency). This variant has not been reported in the literature in individuals affected with RAD50-related conditions. ClinVar contains an entry for this variant (Variation ID: 858174). For these reasons, this variant has been classified as Pathogenic.

Dasa
Classification: Pathogenic for Nijmegen breakage syndrome-like disorder. Last evaluated: 2022-11-03. Review status: criteria provided, single submitter. Criteria: ACMG Guidelines, 2015. Collection method: clinical testing. Allele origin: germline. Affected: yes. Observed: 2 variant alleles.
Comment: The c.2944A>T;p.(Lys982*) variant creates a premature translational stop signal in the RAD50 gene. It is expected to result in an absent or disrupted protein product - PVS1. ClinVar contains an entry for this variant (ClinVar ID: 858174) - PS4_supporting. This variant is not present in population databases (rs1581004859, gnomAD; ABraOM no frequency) - PM2. In summary, the currently available evidence indicates that the variant is pathogenic.

Laboratorio de Genetica e Diagnostico Molecular, Hospital Israelita Albert Einstein
Classification: Likely pathogenic. Last evaluated: 2021-08-17. Review status: criteria provided, single submitter. Criteria: ACMG Guidelines, 2015. Collection method: clinical testing. Allele origin: germline. Affected: yes.
Comment: ACMG classification criteria: PVS1, PM2

Literature cited by the submitters: PubMed 19409520 (cited by Labcorp Genetics (formerly Invitae), Labcorp).

NM_005732.4(RAD50):c.2944A>T (p.Lys982Ter)

Gene: RAD50 (RAD50 double strand break repair protein; plus strand). Cytogenetic location: 5q31.1.
Variant type: single nucleotide variant.
Coding change: c.2944A>T on transcript NM_005732.4 (MANE Select); coding-DNA position 2944, A replaced by T.
Protein change: p.Lys982Ter; replaces lysine 982 with a stop codon.
Molecular consequence: nonsense.
Genome position (GRCh38, 1-based): chr5:132,609,304, A>T. VCF-style: chr5-132609304-A-T. GRCh37 (hg19) VCF-style: chr5-131944996-A-T.
Other names: short protein forms K982*.
Identifiers: ClinVar variation 858174 (VCV000858174.12), dbSNP rs1581004859, ClinGen allele CA360960341.